The following is an entry in ClinVar:

ClinVar aggregate classification (germline): Pathogenic (1 of 4 stars; one submission).

Allele frequency attached by ClinVar (database versions not stated): gnomAD exomes 0.00001.

Submission:

Labcorp Genetics (formerly Invitae), Labcorp
Classification: Pathogenic. Last evaluated: 2022-09-07. Review status: criteria provided, single submitter. Criteria: Invitae Variant Classification Sherloc (09022015). Collection method: clinical testing. Allele origin: germline.
Comment: For these reasons, this variant has been classified as Pathogenic. This variant disrupts a region of the SAR1B protein in which other variant(s) (p.Ser179Arg) have been determined to be pathogenic (PMID: 12692552, 17945526). This suggests that this is a clinically significant region of the protein, and that variants that disrupt it are likely to be disease-causing. Algorithms developed to predict the effect of sequence changes on RNA splicing suggest that this variant may create or strengthen a splice site. ClinVar contains an entry for this variant (Variation ID: 1522233). This variant has not been reported in the literature in individuals affected with SAR1B-related conditions. The frequency data for this variant in the population databases is considered unreliable, as metrics indicate poor data quality at this position in the gnomAD database. This sequence change creates a premature translational stop signal (p.Arg148*) in the SAR1B gene. While this is not anticipated to result in nonsense mediated decay, it is expected to disrupt the last 51 amino acid(s) of the SAR1B protein.

Literature cited by the submitters: PubMed 12692552; PubMed 17945526.

NM_016103.4(SAR1B):c.442C>T (p.Arg148Ter)

Gene: SAR1B (secretion associated Ras related GTPase 1B; minus strand). Cytogenetic location: 5q31.1.
Variant type: single nucleotide variant.
Coding change: c.442C>T on transcript NM_016103.4 (MANE Select); coding-DNA position 442, C replaced by T.
Protein change: p.Arg148Ter; replaces arginine 148 with a stop codon.
Molecular consequence: nonsense.
Genome position (GRCh38, 1-based): chr5:134,608,410, G>A on the plus strand (C>T on the coding strand, the complement: SAR1B is on the minus strand). VCF-style: chr5-134608410-G-A. GRCh37 (hg19) VCF-style: chr5-133944100-G-A.
Other names: c.442C>T, p.Arg148Ter (NM_001033503.3); short protein forms R148*.
Identifiers: ClinVar variation 1522233 (VCV001522233.6), dbSNP rs1442471258, ClinGen allele CA361000051.